The following is an entry in ClinVar:

ClinVar aggregate classification (germline): Uncertain significance. Review status: criteria provided, multiple submitters, no conflicts (2 of 4 stars). 3 submissions from 3 submitters: Uncertain significance (3). Last evaluated 2025-07-23.

Allele frequency attached by ClinVar (database versions not stated): ExAC 0.00009; TOPMed 0.00011; ESP Exome Variant Server 0.00015; gnomAD exomes 0.00007; gnomAD 0.00015.
gnomAD v4.1: 115 of 1,611,600 alleles (0.0071%); highest among the groups gnomAD compares: African/African-American, 0.028%; 1 homozygote.

Submissions (3):

Mayo Clinic Laboratories, Mayo Clinic
Classification: Uncertain significance. Last evaluated: 2025-07-23. Review status: criteria provided, single submitter. Criteria: ACMG Guidelines, 2015. Collection method: clinical testing. Allele origin: germline. Observed: 1 variant allele.
Comment: BP4, PS3_supporting

Women's Health and Genetics/Laboratory Corporation of America, LabCorp
Classification: Uncertain significance. Last evaluated: 2024-09-18. Review status: criteria provided, single submitter. Criteria: LabCorp Variant Classification Summary - May 2015. Collection method: clinical testing. Allele origin: germline.
Comment: Variant summary: SLC12A3 c.2252C>T (p.Pro751Leu) results in a non-conservative amino acid change located in the SLC12A transporter, C-terminal domain (IPR018491) of the encoded protein sequence. Three of five in-silico tools predict a benign effect of the variant on protein function. The variant allele was found at a frequency of 0.00011 in 251178 control chromosomes. This frequency is not significantly higher than estimated for a pathogenic variant in SLC12A3 causing Familial Hypokalemia-Hypomagnesemia, allowing no conclusion about variant significance. c.2252C>T has been reported in the literature as heterozygous without a second variant identified in at least one individual affected with Familial Hypokalemia-Hypomagnesemia (Glaudemans_2012). These report(s) do not provide unequivocal conclusions about association of the variant with Familial Hypokalemia-Hypomagnesemia. At least one publication reports experimental evidence evaluating an impact on protein function. The most pronounced variant effect results in ~55% of normal NaCl uptake when expressed in Xenopus oocytes (Glaudemans_2012). The following publication has been ascertained in the context of this evaluation (PMID: 22009145). ClinVar contains an entry for this variant (Variation ID: 2201947). Based on the evidence outlined above, the variant was classified as uncertain significance.

Labcorp Genetics (formerly Invitae), Labcorp
Classification: Uncertain significance. Last evaluated: 2024-05-15. Review status: criteria provided, single submitter. Criteria: Invitae Variant Classification Sherloc (09022015). Collection method: clinical testing. Allele origin: germline.
Comment: This sequence change replaces proline, which is neutral and non-polar, with leucine, which is neutral and non-polar, at codon 751 of the SLC12A3 protein (p.Pro751Leu). This variant is present in population databases (rs368068353, gnomAD 0.05%). This missense change has been observed in individual(s) with Gitelman syndrome (PMID: 22009145). ClinVar contains an entry for this variant (Variation ID: 2201947). Advanced modeling of protein sequence and biophysical properties (such as structural, functional, and spatial information, amino acid conservation, physicochemical variation, residue mobility, and thermodynamic stability) has been performed at Invitae for this missense variant, however the output from this modeling did not meet the statistical confidence thresholds required to predict the impact of this variant on SLC12A3 protein function. Experimental studies have shown that this missense change affects SLC12A3 function (PMID: 22009145). In summary, the available evidence is currently insufficient to determine the role of this variant in disease. Therefore, it has been classified as a Variant of Uncertain Significance.

Literature cited by the submitters: PubMed 22009145 (cited by 3 submitters).

NM_001126108.2(SLC12A3):c.2252C>T (p.Pro751Leu)

Gene: SLC12A3 (solute carrier family 12 member 3; plus strand). Cytogenetic location: 16q13.
Variant type: single nucleotide variant.
Coding change: c.2252C>T on transcript NM_001126108.2 (MANE Select); coding-DNA position 2252, C replaced by T.
Protein change: p.Pro751Leu; replaces proline 751 with leucine.
Molecular consequence: missense variant.
Genome position (GRCh38, 1-based): chr16:56,887,998, C>T. VCF-style: chr16-56887998-C-T. GRCh37 (hg19) VCF-style: chr16-56921910-C-T.
Other names: p.Pro751Leu; c.2252C>T, p.Pro751Leu (NM_000339.3); c.2249C>T, p.Pro750Leu (NM_001126107.2, NM_001410896.1); short protein forms P750L, P751L.
Identifiers: ClinVar variation 2201947 (VCV002201947.4), dbSNP rs368068353, ClinGen allele CA8069800.